The following is an entry in ClinVar:

ClinVar aggregate classification (germline): Uncertain significance. Review status: criteria provided, multiple submitters, no conflicts (2 of 4 stars). 2 submissions from 2 submitters: Uncertain significance (2). Last evaluated 2023-11-18.

Conditions:
Kabuki syndrome 2 (KABUK2). Also called: KDM6A-Related Kabuki Syndrome. Identifiers: Orphanet 2322, MedGen C3275495, MONDO:0010465, OMIM 300867.

Allele frequency attached by ClinVar (database versions not stated): TOPMed below 0.00001; gnomAD 0.00001.
gnomAD v4.1: 5 of 1,205,031 alleles (0.00041%); highest among the groups gnomAD compares: Admixed American, 0.0022%; no homozygotes.

Submissions (2):

GeneDx
Classification: Uncertain significance. Last evaluated: 2023-11-18. Review status: criteria provided, single submitter. Criteria: GeneDx Variant Classification Process June 2021. Collection method: clinical testing. Allele origin: germline. Affected: yes.
Comment: In silico analysis supports that this missense variant does not alter protein structure/function; Has not been previously published as pathogenic or benign to our knowledge

Labcorp Genetics (formerly Invitae), Labcorp
Classification: Uncertain significance for Kabuki syndrome 2. Last evaluated: 2023-09-01. Review status: criteria provided, single submitter. Criteria: Invitae Variant Classification Sherloc (09022015). Collection method: clinical testing. Allele origin: germline.
Comment: In summary, the available evidence is currently insufficient to determine the role of this variant in disease. Therefore, it has been classified as a Variant of Uncertain Significance. Algorithms developed to predict the effect of sequence changes on RNA splicing suggest that this variant may disrupt the consensus splice site. Advanced modeling of protein sequence and biophysical properties (such as structural, functional, and spatial information, amino acid conservation, physicochemical variation, residue mobility, and thermodynamic stability) performed at Invitae indicates that this missense variant is not expected to disrupt KDM6A protein function. This variant has not been reported in the literature in individuals affected with KDM6A-related conditions. The frequency data for this variant in the population databases is considered unreliable, as metrics indicate poor data quality at this position in the gnomAD database. This sequence change replaces arginine, which is basic and polar, with glutamine, which is neutral and polar, at codon 519 of the KDM6A protein (p.Arg519Gln).

NM_001291415.2(KDM6A):c.1712G>A (p.Arg571Gln)

Gene: KDM6A (lysine demethylase 6A; plus strand). Cytogenetic location: Xp11.3.
Variant type: single nucleotide variant.
Coding change: c.1712G>A on transcript NM_001291415.2 (MANE Select); coding-DNA position 1712, G replaced by A.
Protein change: p.Arg571Gln; replaces arginine 571 with glutamine.
Molecular consequence: missense variant. On other transcripts: non-coding transcript variant (1).
Genome position (GRCh38, 1-based): chrX:45,063,450, G>A. VCF-style: chrX-45063450-G-A. GRCh37 (hg19) VCF-style: chrX-44922695-G-A.
Other names: c.1577G>A, p.Arg526Gln (NM_001291416.2, NM_001419811.1); c.1421G>A, p.Arg474Gln (NM_001291417.2); c.1319G>A, p.Arg440Gln (NM_001291418.2, NM_001419815.1); c.668G>A, p.Arg223Gln (NM_001291421.2); c.1454G>A, p.Arg485Gln (NM_001410742.1, NM_001419814.1); c.1712G>A, p.Arg571Gln (NM_001419809.1); c.1610G>A, p.Arg537Gln (NM_001419810.1, NM_001419813.1); c.1556G>A, p.Arg519Gln (NM_001419812.1, NM_021140.4); and 1 more; short protein forms R526Q, R537Q, R485Q, R519Q, R440Q, R474Q, R571Q, R223Q.
Identifiers: ClinVar variation 2985376 (VCV002985376.4), dbSNP rs1459042930, ClinGen allele CA412787640.